The following is an entry in ClinVar:

NM_000535.7(PMS2):c.505C>T (p.Arg169Cys)

Gene: PMS2 (PMS1 homolog 2, mismatch repair system component; minus strand). Cytogenetic location: 7p22.1.
Variant type: single nucleotide variant.
Coding change: c.505C>T on transcript NM_000535.7 (MANE Select); coding-DNA position 505, C replaced by T.
Protein change: p.Arg169Cys; replaces arginine 169 with cysteine.
Molecular consequence: missense variant. On other transcripts: 5 prime UTR variant (2), non-coding transcript variant (1).
Genome position (GRCh38, 1-based): chr7:6,002,485, G>A on the plus strand (C>T on the coding strand, the complement: PMS2 is on the minus strand). VCF-style: chr7-6002485-G-A. GRCh37 (hg19) VCF-style: chr7-6042116-G-A.
Other names: p.R169C:CGC>TGC; c.100C>T, p.Arg34Cys (NM_001322003.2, NM_001322004.2, NM_001322005.2 and 3 more transcripts); c.505C>T, p.Arg169Cys (NM_001322006.2, NM_001322014.2); c.187C>T, p.Arg63Cys (NM_001322007.2, NM_001322008.2); c.-380C>T (NM_001322011.2, NM_001322012.2); c.196C>T, p.Arg66Cys (NM_001322015.2); short protein forms R169C, R34C, R63C, R66C.
Identifiers: ClinVar variation 182810 (VCV000182810.24), dbSNP rs730881916, ClinGen allele CA012217.

ClinVar aggregate classification (germline): Uncertain significance. Review status: criteria provided, multiple submitters, no conflicts (2 of 4 stars). 6 submissions from 6 submitters: Uncertain significance (6). Last evaluated 2025-12-03.

Conditions:
Hereditary nonpolyposis colorectal neoplasms. Identifiers: MedGen C0009405, MeSH D003123.
Hereditary cancer-predisposing syndrome. Also called: Tumor predisposition; Hereditary Cancer Syndrome; Hereditary neoplastic syndrome; Neoplastic Syndromes, Hereditary. Identifiers: Orphanet 140162, MedGen C0027672, MeSH D009386, MONDO:0015356.

Allele frequency attached by ClinVar (database versions not stated): gnomAD exomes below 0.00001 and 0.00001.
gnomAD v4.1: 7 of 1,611,148 alleles (0.00043%); highest among the groups gnomAD compares: Admixed American, 0.0017%; no homozygotes.

Submissions (6):

Labcorp Genetics (formerly Invitae), Labcorp
Classification: Uncertain significance for Hereditary nonpolyposis colorectal neoplasms. Last evaluated: 2025-12-03. Review status: criteria provided, single submitter. Criteria: Invitae Variant Classification Sherloc (09022015). Collection method: clinical testing. Allele origin: germline.
Comment: This sequence change replaces arginine, which is basic and polar, with cysteine, which is neutral and slightly polar, at codon 169 of the PMS2 protein (p.Arg169Cys). This variant is present in population databases (rs730881916, gnomAD 0.003%). This variant has not been reported in the literature in individuals affected with PMS2-related conditions. ClinVar contains an entry for this variant (Variation ID: 182810). Invitae Evidence Modeling incorporating data from in vitro experimental studies (internal data) indicates that this missense variant is expected to disrupt PMS2 function with a positive predictive value of 95%. In summary, the available evidence is currently insufficient to determine the role of this variant in disease. Therefore, it has been classified as a Variant of Uncertain Significance.

Ambry Genetics
Classification: Uncertain significance for Hereditary cancer-predisposing syndrome. Last evaluated: 2025-11-03. Review status: criteria provided, single submitter. Criteria: Ambry Variant Classification Scheme 2023. Collection method: clinical testing. Allele origin: germline.
Comment: The p.R169C variant (also known as c.505C>T), located in coding exon 5 of the PMS2 gene, results from a C to T substitution at nucleotide position 505. The arginine at codon 169 is replaced by cysteine, an amino acid with highly dissimilar properties. This amino acid position is highly conserved in available vertebrate species. In addition, this alteration is predicted to be deleterious by in silico analysis. Based on the available evidence, the clinical significance of this variant remains unclear.

Quest Diagnostics Nichols Institute San Juan Capistrano
Classification: Uncertain significance. Last evaluated: 2024-10-29. Review status: criteria provided, single submitter. Criteria: Quest Diagnostics criteria. Collection method: clinical testing. Allele origin: unknown.
Comment: The PMS2 c.505C>T (p.Arg169Cys) variant has been reported in the published literature in reportedly health individuals (PMID: 33471991 (2021), see also see also LOVD). The frequency of this variant in the general population, 0.000004 (1/249784 chromosomes (Genome Aggregation Database)), is uninformative in the assessment of its pathogenicity. Analysis of this variant using bioinformatics tools for the prediction of the effect of amino acid changes on protein structure and function yielded predictions that this variant is damaging. Based on the available information, we are unable to determine the clinical significance of this variant.

Women's Health and Genetics/Laboratory Corporation of America, LabCorp
Classification: Uncertain significance. Last evaluated: 2024-04-30. Review status: criteria provided, single submitter. Criteria: LabCorp Variant Classification Summary - May 2015. Collection method: clinical testing. Allele origin: germline.
Comment: Variant summary: PMS2 c.505C>T (p.Arg169Cys) results in a non-conservative amino acid change in the encoded protein sequence. Five of five in-silico tools predict a damaging effect of the variant on protein function. The variant allele was found at a frequency of 4e-06 in 249784 control chromosomes. The available data on variant occurrences in the general population are insufficient to allow any conclusion about variant significance. To our knowledge, no occurrence of c.505C>T in individuals affected with Lynch Syndrome and no experimental evidence demonstrating its impact on protein function have been reported. ClinVar contains an entry for this variant (Variation ID: 182810). Based on the evidence outlined above, the variant was classified as uncertain significance.

GeneDx
Classification: Uncertain significance. Last evaluated: 2024-03-18. Review status: criteria provided, single submitter. Criteria: GeneDx Variant Classification Process June 2021. Collection method: clinical testing. Allele origin: germline. Affected: yes.
Comment: Not observed at significant frequency in large population cohorts (gnomAD); In silico analysis supports that this missense variant has a deleterious effect on protein structure/function; Has not been previously published as pathogenic or benign to our knowledge; This variant is associated with the following publications: (PMID: 11574484)

Color Diagnostics, LLC DBA Color Health
Classification: Uncertain significance for Hereditary cancer-predisposing syndrome. Last evaluated: 2023-03-08. Review status: criteria provided, single submitter. Criteria: ACMG Guidelines, 2015. Collection method: clinical testing. Allele origin: germline.
Comment: This missense variant replaces arginine with cysteine at codon 169 of the PMS2 protein. Computational prediction suggests that this variant may have deleterious impact on protein structure and function (internally defined REVEL score threshold >= 0.7, PMID: 27666373). To our knowledge, functional studies have not been reported for this variant. This variant has not been reported in individuals affected with PMS2-related disorders in the literature. This variant has been identified in 1/249784 chromosomes in the general population by the Genome Aggregation Database (gnomAD). The available evidence is insufficient to determine the role of this variant in disease conclusively. Therefore, this variant is classified as a Variant of Uncertain Significance.

Literature cited by the submitters: PubMed 38552658 (cited by Ambry Genetics); PubMed 33471991 (cited by Quest Diagnostics Nichols Institute San Juan Capistrano).